The following is an entry in ClinVar:

ClinVar aggregate classification (germline): Conflicting classifications of pathogenicity. Review status: criteria provided, conflicting classifications (1 of 4 stars). 3 submissions from 3 submitters: Likely pathogenic (2); Uncertain significance (1). Last evaluated 2025-05-14.

Conditions:
Nephronophthisis 15 (NPHP15). Identifiers: Orphanet 3156, MedGen C3541853, MONDO:0013917, OMIM 614845.

Allele frequency attached by ClinVar (database versions not stated): TOPMed below 0.00001.
gnomAD v4.1: 3 of 1,613,380 alleles (0.00019%); highest among the groups gnomAD compares: Non-Finnish European, 0.00025%; no homozygotes.

Submissions (3):

Labcorp Genetics (formerly Invitae), Labcorp
Classification: Likely pathogenic for Nephronophthisis 15. Last evaluated: 2025-05-14. Review status: criteria provided, single submitter. Criteria: Invitae Variant Classification Sherloc (09022015). Collection method: clinical testing. Allele origin: germline.
Comment: This sequence change affects an acceptor splice site in intron 18 of the CEP164 gene. It is expected to disrupt RNA splicing. Variants that disrupt the donor or acceptor splice site typically lead to a loss of protein function (PMID: 16199547), and loss-of-function variants in CEP164 are known to be pathogenic (PMID: 22863007, 28125082, 32367404, 34132027, 34499853). This variant is not present in population databases (gnomAD no frequency). This variant has not been reported in the literature in individuals affected with CEP164-related conditions. ClinVar contains an entry for this variant (Variation ID: 2783650). Algorithms developed to predict the effect of sequence changes on RNA splicing suggest that this variant may disrupt the consensus splice site. In summary, the currently available evidence indicates that the variant is pathogenic, but additional data are needed to prove that conclusively. Therefore, this variant has been classified as Likely Pathogenic.

Blueprint Genetics
Classification: Uncertain significance. Last evaluated: 2024-04-17. Review status: criteria provided, single submitter. Criteria: ACMG Guidelines, 2015. Collection method: clinical testing. Allele origin: germline.

Fulgent Genetics
Classification: Likely pathogenic for Nephronophthisis 15. Last evaluated: 2024-03-05. Review status: criteria provided, single submitter. Criteria: ACMG Guidelines, 2015. Collection method: clinical testing. Allele origin: germline.

Literature cited by the submitters: PubMed 16199547 (cited by Labcorp Genetics (formerly Invitae), Labcorp); PubMed 22863007 (cited by Labcorp Genetics (formerly Invitae), Labcorp); PubMed 28125082 (cited by Labcorp Genetics (formerly Invitae), Labcorp); PubMed 32367404 (cited by Labcorp Genetics (formerly Invitae), Labcorp); PubMed 34132027 (cited by Labcorp Genetics (formerly Invitae), Labcorp); PubMed 34499853 (cited by Labcorp Genetics (formerly Invitae), Labcorp).

NM_014956.5(CEP164):c.2362-1G>T

Gene: CEP164 (centrosomal protein 164; plus strand). Cytogenetic location: 11q23.3.
Variant type: single nucleotide variant.
Coding change: c.2362-1G>T on transcript NM_014956.5 (MANE Select); the canonical splice acceptor site of the intron before coding-DNA position 2362, G replaced by T.
Molecular consequence: splice acceptor variant.
Genome position (GRCh38, 1-based): chr11:117,392,495, G>T. VCF-style: chr11-117392495-G-T. GRCh37 (hg19) VCF-style: chr11-117263211-G-T.
Other names: c.2371-1G>T (NM_001271933.2).
Identifiers: ClinVar variation 2783650 (VCV002783650.5), dbSNP rs1380436983, ClinGen allele CA382725515.
Genomic context (GRCh38, chr11:117,392,495, plus strand): 5'-ACAGCAGCTGTACAGTCTGTCTGAGGGTCACACTCCCCTGTGTGTGCGGGGGCCTCCTCA[G>T]GTGGTCTCCAGCCTCCAGAAGAAGATACAGGAAGCTCAACAGAAAGAGGAGGCCCAGCTG-3'